The following is an entry in ClinVar:

NM_144997.7(FLCN):c.*1403T>C

Gene: FLCN (folliculin; minus strand). Cytogenetic location: 17p11.2.
Variant type: single nucleotide variant.
Coding change: c.*1403T>C on transcript NM_144997.7 (MANE Select); 1403 bases downstream of the stop codon, T replaced by C.
Molecular consequence: 3 prime UTR variant.
Genome position (GRCh38, 1-based): chr17:17,212,252, A>G on the plus strand (T>C on the coding strand, the complement: FLCN is on the minus strand). VCF-style: chr17-17212252-A-G. GRCh37 (hg19) VCF-style: chr17-17115566-A-G.
Other names: c.*1403T>C (NM_001353229.2, NM_001353230.2, NM_001353231.2 and 1 more transcripts).
Identifiers: ClinVar variation 322033 (VCV000322033.6), dbSNP rs7218795, ClinGen allele CA10648673.

ClinVar aggregate classification (germline): Benign. Review status: criteria provided, multiple submitters, no conflicts (2 of 4 stars). 3 submissions from 2 submitters: Benign (3). Last evaluated 2018-01-12.

Conditions:
Familial spontaneous pneumothorax (PSP). Identifiers: Orphanet 2903, MedGen C1868193, MONDO:0008259, OMIM 173600.
Birt-Hogg-Dube syndrome. Also called: Birt Hogg Dubé syndrome. Identifiers: Orphanet 122, MedGen C0346010, MONDO:0800444.

Allele frequency attached by ClinVar (database versions not stated): gnomAD exomes 0.70051; TOPMed 0.70803; 1000 Genomes Project 30x 0.71205; 1000 Genomes Project 0.71306; gnomAD 0.71790 and 0.72029.
gnomAD v4.1: 122,042 of 170,342 alleles (72%); highest among the groups gnomAD compares: Non-Finnish European, 74%; 44,076 homozygotes.

Submissions (3):

Illumina Laboratory Services, Illumina
Classification: Benign for Birt-Hogg-Dube syndrome 1. Last evaluated: 2018-01-12. Review status: criteria provided, single submitter. Criteria: ICSL Variant Classification Criteria 13 December 2019. Collection method: clinical testing. Allele origin: germline.
Comment: This variant was observed in the ICSL laboratory as part of a predisposition screen in an ostensibly healthy population. It had not been previously curated by ICSL or reported in the Human Gene Mutation Database (HGMD: prior to June 1st, 2018), and was therefore a candidate for classification through an automated scoring system. Utilizing variant allele frequency, disease prevalence and penetrance estimates, and inheritance mode, an automated score was calculated to assess if this variant is too frequent to cause the disease. Based on the score and internal cut-off values, a variant classified as benign is not then subjected to further curation. The score for this variant resulted in a classification of benign for this disease.

Illumina Laboratory Services, Illumina
Classification: Benign for Familial spontaneous pneumothorax. Last evaluated: 2018-01-12. Review status: criteria provided, single submitter. Criteria: ICSL Variant Classification Criteria 13 December 2019. Collection method: clinical testing. Allele origin: germline.
Comment: the same text as in the submission from Illumina Laboratory Services, Illumina above.

Breakthrough Genomics
Classification: Benign. Review status: criteria provided, single submitter. Criteria: ACMG Guidelines, 2015. Collection method: not provided. Allele origin: germline. Inheritance: Autosomal dominant inheritance. Affected: yes.